The following is an entry in ClinVar:

ClinVar aggregate classification (germline): Pathogenic. Review status: criteria provided, multiple submitters, no conflicts (2 of 4 stars). 7 submissions from 7 submitters: Pathogenic (7). Last evaluated 2025-12-31.

Conditions:
Neurodevelopmental disorder. Identifiers: MedGen C1535926, MeSH D065886, MONDO:0700092.
Intellectual developmental disorder, autosomal dominant 50, with behavioral abnormalities. Also called: MENTAL RETARDATION, AUTOSOMAL DOMINANT 50; Intellectual disability, autosomal dominant 50. Identifiers: MedGen C4540470, MONDO:0030916, OMIM 617787.
Inborn genetic diseases. Identifiers: MedGen C0950123, MeSH D030342.

Allele frequency attached by ClinVar (database versions not stated): gnomAD exomes below 0.00001.
gnomAD v4.1: 1 of 1,612,284 alleles (0.000062%); highest among the groups gnomAD compares: South Asian, 0.0011%; no homozygotes.

Submissions (7):

Ambry Genetics
Classification: Pathogenic for Inborn genetic diseases. Last evaluated: 2025-12-31. Review status: criteria provided, single submitter. Criteria: Ambry Variant Classification Scheme 2023. Collection method: clinical testing. Allele origin: germline.
Comment: The c.430C>T (p.R144*) alteration, located in exon 5 (coding exon 5) of the NAA15 gene, consists of a C to T substitution at nucleotide position 430. This changes the amino acid from an arginine (R) to a stop codon at amino acid position 144. This alteration is expected to result in loss of function by premature protein truncation or nonsense-mediated mRNA decay. This variant was not reported in population-based cohorts in the Genome Aggregation Database (gnomAD). This variant was determined to be de novo in at least one individual with features consistent with NAA15-related neurodevelopmental disorder (Abul-Husn, 2023; Schmidt, 2024). Based on the available evidence, this alteration is classified as pathogenic.

Institute of Human Genetics, FAU Erlangen, Friedrich-Alexander-Universität Erlangen-Nürnberg
Classification: Pathogenic. Last evaluated: 2025-11-03. Review status: criteria provided, single submitter. Criteria: Hauer et al. (Genet Med. 2018). Collection method: clinical testing. Allele origin: germline. Inheritance: Autosomal dominant inheritance. Affected: yes. Observed: 1 variant allele.
Comment: This variant has been identified by standard clinical testing. Intellectual developmental disorder, autosomal dominant 50, with behavioral abnormalities MIM # 617787 Selected ACMG criteria: Pathogenic (I):PM2;PS2;PVS1

GeneDx
Classification: Pathogenic. Last evaluated: 2023-11-29. Review status: criteria provided, single submitter. Criteria: GeneDx Variant Classification Process June 2021. Collection method: clinical testing. Allele origin: germline. Affected: yes.
Comment: Nonsense variant predicted to result in protein truncation or nonsense mediated decay in a gene for which loss-of-function is a known mechanism of disease; Not observed in large population cohorts (gnomAD); This variant is associated with the following publications: (PMID: 36993157)

Laboratory of Molecular Genetics (Pr. Bezieau's lab), CHU de Nantes
Classification: Pathogenic for Neurodevelopmental disorder. Last evaluated: 2023-01-27. Review status: criteria provided, single submitter. Criteria: ACMG Guidelines, 2015. Collection method: clinical testing. Allele origin: germline. Affected: yes.

CeGaT Center for Human Genetics Tuebingen
Classification: Pathogenic. Last evaluated: 2022-07-01. Review status: criteria provided, single submitter. Criteria: CeGaT Center For Human Genetics Tuebingen Variant Classification Criteria Version 2. Collection method: clinical testing. Allele origin: germline. Affected: yes. Observed: 1 variant allele.
Comment: NAA15: PVS1, PM2, PS2:Moderate

New York Genome Center
Classification: Pathogenic for Intellectual developmental disorder, autosomal dominant 50, with behavioral abnormalities. Last evaluated: 2021-01-22. Review status: criteria provided, single submitter. Criteria: NYGC Assertion Criteria 2020. Collection method: clinical testing. Allele origin: de novo. Observed: 1 heterozygote. Study: CSER-NYCKidSeq.
Comment: The de novo c.430C>T (p.Arg144Ter) variant identified in the NAA15 gene leads to the premature termination of the protein at amino acid 144/867 (exon 5/20). This variant is absent from gnomAD(v3.1) suggesting it is not a common benign variant in the populations represented in that database. This variant is reported as Pathogenic in ClinVar (VarID:620471) and to our current knowledge has not been reported inaffected individuals in the literature, however other nonsense, frameshift, and canonical splice variants have been reported [PMID:29656860]. Given its deleterious nature, presence de novo, and absence in population databases, the c.430C>T (p.Arg144Ter) variant identified in the NAA15 gene is reported as Pathogenic.

Institute of Human Genetics Munich, TUM University Hospital
Classification: Pathogenic for Intellectual developmental disorder, autosomal dominant 50, with behavioral abnormalities. Last evaluated: 2020-12-07. Review status: criteria provided, single submitter. Criteria: Classification criteria August 2017. Collection method: clinical testing. Allele origin: de novo. Inheritance: Autosomal dominant inheritance. Affected: yes. Observed: 1 variant allele.

Literature cited by the submitters: PubMed 37158195 (cited by Ambry Genetics); PubMed 39039281 (cited by Ambry Genetics).

NM_057175.5(NAA15):c.430C>T (p.Arg144Ter)

Gene: NAA15 (N-alpha-acetyltransferase 15, NatA auxiliary subunit; plus strand). Cytogenetic location: 4q31.1.
Variant type: single nucleotide variant.
Coding change: c.430C>T on transcript NM_057175.5 (MANE Select); coding-DNA position 430, C replaced by T.
Protein change: p.Arg144Ter; replaces arginine 144 with a stop codon.
Molecular consequence: nonsense.
Genome position (GRCh38, 1-based): chr4:139,342,853, C>T. VCF-style: chr4-139342853-C-T. GRCh37 (hg19) VCF-style: chr4-140264007-C-T.
Other names: short protein forms R144*.
Identifiers: ClinVar variation 620471 (VCV000620471.36), dbSNP rs1560966086, ClinGen allele CA358260049.
Genomic context (GRCh38, chr4:139,342,853, plus strand): 5'-TAAGAAAAAGTGTTTATTTTTTTCCTTTTAAAGGAAACGAGGTATCAGTTACTTCAGCTT[C>T]GACCTGCGCAGAGAGCATCATGGATTGGTTATGCTATTGCTTACCATTTATTAGAAGATT-3'